The following is an entry in ClinVar:

ClinVar aggregate classification (germline): Uncertain significance (1 of 4 stars; one submission).

Conditions:
Noonan syndrome 9 (NS9). Identifiers: Orphanet 648, MedGen C4225282, MONDO:0014691, OMIM 616559.

Allele frequency attached by ClinVar (database versions not stated): TOPMed below 0.00001; ESP Exome Variant Server 0.00008.

Submission:

Labcorp Genetics (formerly Invitae), Labcorp
Classification: Uncertain significance for Noonan syndrome 9. Last evaluated: 2021-09-20. Review status: criteria provided, single submitter. Criteria: Invitae Variant Classification Sherloc (09022015). Collection method: clinical testing. Allele origin: germline.
Comment: In summary, the available evidence is currently insufficient to determine the role of this variant in disease. Therefore, it has been classified as a Variant of Uncertain Significance. Algorithms developed to predict the effect of missense changes on protein structure and function (SIFT, PolyPhen-2, Align-GVGD) all suggest that this variant is likely to be tolerated. This variant has not been reported in the literature in individuals affected with SOS2-related conditions. This variant is not present in population databases (ExAC no frequency). This sequence change replaces arginine with lysine at codon 674 of the SOS2 protein (p.Arg674Lys). The arginine residue is highly conserved and there is a small physicochemical difference between arginine and lysine.

NM_006939.4(SOS2):c.2021G>A (p.Arg674Lys)

Gene: SOS2 (SOS Ras/Rho guanine nucleotide exchange factor 2; minus strand). Cytogenetic location: 14q21.3.
Variant type: single nucleotide variant.
Coding change: c.2021G>A on transcript NM_006939.4 (MANE Select); coding-DNA position 2021, G replaced by A.
Protein change: p.Arg674Lys; replaces arginine 674 with lysine.
Molecular consequence: missense variant.
Genome position (GRCh38, 1-based): chr14:50,157,035, C>T on the plus strand (G>A on the coding strand, the complement: SOS2 is on the minus strand). VCF-style: chr14-50157035-C-T. GRCh37 (hg19) VCF-style: chr14-50623753-C-T.
Other names: short protein forms R674K.
Identifiers: ClinVar variation 1382460 (VCV001382460.6), dbSNP rs371205081, ClinGen allele CA260734292.
Genomic context (GRCh38, chr14:50,157,035, plus strand): 5'-ATATAAAAAATATTCAAGCCAAACCTAAGTTGTACTGGTTGGACATATTCCTTGCGAAAT[C>T]TTTTAAGGTCTGCACTGATTGGCTGCTCGCCTTTCTCTATTGCCAATTTGTCTGCGTCAG-3'
Protein context (NP_008870.2, residues 664-684): GEQPISADLK[Arg674Lys]FRKEYVQPVQ